The following is an entry in ClinVar:

ClinVar aggregate classification (germline): Uncertain significance (1 of 4 stars; one submission).

Conditions:
Hereditary spastic paraplegia. Also called: Familial spastic paraparesis. Identifiers: Orphanet 685, MedGen C0037773, MONDO:0019064. Disease mechanism: loss of function.

Allele frequency attached by ClinVar (database versions not stated): TOPMed below 0.00001; ExAC 0.00001.

Submission:

Labcorp Genetics (formerly Invitae), Labcorp
Classification: Uncertain significance for Hereditary spastic paraplegia. Last evaluated: 2024-01-08. Review status: criteria provided, single submitter. Criteria: Invitae Variant Classification Sherloc (09022015). Collection method: clinical testing. Allele origin: germline.
Comment: This sequence change replaces tyrosine, which is neutral and polar, with cysteine, which is neutral and slightly polar, at codon 1040 of the USP8 protein (p.Tyr1040Cys). This variant is present in population databases (rs750757919, gnomAD 0.0009%). This variant has not been reported in the literature in individuals affected with USP8-related conditions. ClinVar contains an entry for this variant (Variation ID: 2148913). An algorithm developed to predict the effect of missense changes on protein structure and function (PolyPhen-2) suggests that this variant is likely to be disruptive. In summary, the available evidence is currently insufficient to determine the role of this variant in disease. Therefore, it has been classified as a Variant of Uncertain Significance.

NM_005154.5(USP8):c.3119A>G (p.Tyr1040Cys)

Genes: USP8 (ubiquitin specific peptidase 8; plus strand), USP50 (ubiquitin specific peptidase 50; minus strand). Cytogenetic location: 15q21.2.
Variant type: single nucleotide variant.
Coding change: c.3119A>G on transcript NM_005154.5 (MANE Select); coding-DNA position 3119, A replaced by G.
Protein change: p.Tyr1040Cys; replaces tyrosine 1040 with cysteine.
Molecular consequence: missense variant.
Genome position (GRCh38, 1-based): chr15:50,498,676, A>G. VCF-style: chr15-50498676-A-G. GRCh37 (hg19) VCF-style: chr15-50790873-A-G.
Other names: c.3119A>G, p.Tyr1040Cys (NM_001128610.3); c.2801A>G, p.Tyr934Cys (NM_001283049.2); short protein forms Y1040C, Y934C.
Identifiers: ClinVar variation 2148913 (VCV002148913.4), dbSNP rs750757919, ClinGen allele CA7556174.
Genomic context (GRCh38, chr15:50,498,676, plus strand): 5'-GGAAACAAAAATTACAGACATCTGTGGACTTCCCGTTAGAAAATCTTGACTTGTCACAGT[A>G]TGTTATTGGTCCAAAGAACAATTTGAAGAAATATAATTTGTTTTCTGTTTCAGTAAGTAT-3'
Protein context (NP_005145.3, residues 1030-1050): FPLENLDLSQ[Tyr1040Cys]VIGPKNNLKK